The following is an entry in ClinVar:

NM_001267550.2(TTN):c.58783T>A (p.Ser19595Thr)

Genes: TTN (titin; minus strand), TTN-AS1 (TTN antisense RNA 1; plus strand). Cytogenetic location: 2q31.2.
Variant type: single nucleotide variant.
Coding change: c.58783T>A on transcript NM_001267550.2 (MANE Select); coding-DNA position 58783, T replaced by A.
Protein change: p.Ser19595Thr; replaces serine 19595 with threonine.
Molecular consequence: missense variant.
Genome position (GRCh38, 1-based): chr2:178,593,425, A>T on the plus strand (T>A on the coding strand, the complement: TTN is on the minus strand). VCF-style: chr2-178593425-A-T. GRCh37 (hg19) VCF-style: chr2-179458152-A-T.
Other names: c.53860T>A, p.Ser17954Thr (NM_001256850.1); c.31588T>A, p.Ser10530Thr (NM_003319.4); c.51079T>A, p.Ser17027Thr (NM_133378.4); c.31963T>A, p.Ser10655Thr (NM_133432.3); c.32164T>A, p.Ser10722Thr (NM_133437.4); short protein forms S10530T, S10722T, S19595T, S17027T, S17954T, S10655T.
Identifiers: ClinVar variation 1728249 (VCV001728249.2), dbSNP rs2050668743, ClinGen allele CA349502084.

ClinVar aggregate classification (germline): Uncertain significance (1 of 4 stars; one submission).

Conditions:
Cardiovascular phenotype. Identifiers: MedGen CN230736.

Allele frequency attached by ClinVar (database versions not stated): TOPMed 0.00001.

Submission:

Ambry Genetics
Classification: Uncertain significance for Cardiovascular phenotype. Last evaluated: 2020-03-06. Review status: criteria provided, single submitter. Criteria: Ambry Variant Classification Scheme 2023. Collection method: clinical testing. Allele origin: germline.
Comment: The p.S10530T variant (also known as c.31588T>A), located in coding exon 126 of the TTN gene, results from a T to A substitution at nucleotide position 31588. The serine at codon 10530 is replaced by threonine, an amino acid with similar properties. This amino acid position is well conserved in available vertebrate species. In addition, this alteration is predicted to be tolerated by in silico analysis. Since supporting evidence is limited at this time, the clinical significance of this alteration remains unclear.